The following is an entry in ClinVar:

NM_001458.5(FLNC):c.627G>A (p.Trp209Ter)

Gene: FLNC (filamin C; plus strand). Cytogenetic location: 7q32.1.
Variant type: single nucleotide variant.
Coding change: c.627G>A on transcript NM_001458.5 (MANE Select); coding-DNA position 627, G replaced by A.
Protein change: p.Trp209Ter; replaces tryptophan 209 with a stop codon.
Molecular consequence: nonsense.
Genome position (GRCh38, 1-based): chr7:128,837,185, G>A. VCF-style: chr7-128837185-G-A. GRCh37 (hg19) VCF-style: chr7-128477239-G-A.
Other names: c.627G>A, p.Trp209Ter (NM_001127487.2); short protein forms W209*.
Identifiers: ClinVar variation 2088000 (VCV002088000.4), dbSNP rs2536617529, ClinGen allele CA369221030.
Genomic context (GRCh38, chr7:128,837,185, plus strand): 5'-CCCCTCACCATCGTCTCCCTCCATCACCTCTCCAGGTCTCTGCCCCGACTGGGAGGCCTG[G>A]GACCCCAACCAGCCCGTGGAGAACGCCCGGGAGGCCATGCAGCAGGCCGACGACTGGCTT-3'

ClinVar aggregate classification (germline): Pathogenic (1 of 4 stars; one submission).

Conditions:
Hypertrophic cardiomyopathy 26. Also called: Cardiomyopathy, familial hypertrophic, 26. Identifiers: Orphanet 75249, MedGen C4310749, MONDO:0014883, OMIM 617047.
Myofibrillar myopathy 5. Also called: Filaminopathy (type); FILAMINOPATHY, AUTOSOMAL DOMINANT. Identifiers: Orphanet 171445, MedGen C1836050, MONDO:0012289, OMIM 609524.
Distal myopathy with posterior leg and anterior hand involvement. Also called: WILLIAMS DISTAL MYOPATHY. Identifiers: Orphanet 63273, MedGen C3279722, MONDO:0013550, OMIM 614065.

Allele frequency attached by ClinVar (database versions not stated): gnomAD exomes below 0.00001.
gnomAD v4.1: 1 of 1,603,288 alleles (0.000062%); highest among the groups gnomAD compares: Non-Finnish European, 0.000085%; no homozygotes.

Submission:

Labcorp Genetics (formerly Invitae), Labcorp
Classification: Pathogenic for Distal myopathy with posterior leg and anterior hand involvement; Myofibrillar myopathy 5; Hypertrophic cardiomyopathy 26. Last evaluated: 2022-07-25. Review status: criteria provided, single submitter. Criteria: Invitae Variant Classification Sherloc (09022015). Collection method: clinical testing. Allele origin: germline.
Comment: For these reasons, this variant has been classified as Pathogenic. This variant has not been reported in the literature in individuals affected with FLNC-related conditions. This variant is not present in population databases (gnomAD no frequency). This sequence change creates a premature translational stop signal (p.Trp209*) in the FLNC gene. It is expected to result in an absent or disrupted protein product. Loss-of-function variants in FLNC are known to be pathogenic (PMID: 27908349).

Literature cited by the submitters: PubMed 27908349.